The following is an entry in ClinVar:

ClinVar aggregate classification (germline): Uncertain significance. Review status: criteria provided, multiple submitters, no conflicts (2 of 4 stars). 2 submissions from 2 submitters: Uncertain significance (2). Last evaluated 2025-12-16.

Conditions:
Inborn genetic diseases. Identifiers: MedGen C0950123, MeSH D030342.

Allele frequency attached by ClinVar (database versions not stated): TOPMed below 0.00001.

Submissions (2):

Ambry Genetics
Classification: Uncertain significance for Inborn genetic diseases. Last evaluated: 2025-12-16. Review status: criteria provided, single submitter. Criteria: Ambry Variant Classification Scheme 2023. Collection method: clinical testing. Allele origin: germline.

Labcorp Genetics (formerly Invitae), Labcorp
Classification: Uncertain significance. Last evaluated: 2022-02-02. Review status: criteria provided, single submitter. Criteria: Invitae Variant Classification Sherloc (09022015). Collection method: clinical testing. Allele origin: germline.
Comment: This variant is not present in population databases (gnomAD no frequency). This sequence change replaces alanine, which is neutral and non-polar, with valine, which is neutral and non-polar, at codon 158 of the LCT protein (p.Ala158Val). This variant has not been reported in the literature in individuals affected with LCT-related conditions. Algorithms developed to predict the effect of missense changes on protein structure and function are either unavailable or do not agree on the potential impact of this missense change (SIFT: "Not Available"; PolyPhen-2: "Benign"; Align-GVGD: "Not Available"). In summary, the available evidence is currently insufficient to determine the role of this variant in disease. Therefore, it has been classified as a Variant of Uncertain Significance.

NM_002299.4(LCT):c.473C>T (p.Ala158Val)

Gene: LCT (lactase; minus strand). Cytogenetic location: 2q21.3.
Variant type: single nucleotide variant.
Coding change: c.473C>T on transcript NM_002299.4 (MANE Select); coding-DNA position 473, C replaced by T.
Protein change: p.Ala158Val; replaces alanine 158 with valine.
Molecular consequence: missense variant.
Genome position (GRCh38, 1-based): chr2:135,836,697, G>A on the plus strand (C>T on the coding strand, the complement: LCT is on the minus strand). VCF-style: chr2-135836697-G-A. GRCh37 (hg19) VCF-style: chr2-136594267-G-A.
Other names: c.473C>T (NM_002299.2); short protein forms A158V.
Identifiers: ClinVar variation 1514232 (VCV001514232.8), dbSNP rs779306749, ClinGen allele CA348609265.